The following is an entry in ClinVar:

NM_198253.3(TERT):c.440A>G (p.Asp147Gly)

Gene: TERT (telomerase reverse transcriptase; minus strand). Cytogenetic location: 5p15.33.
Variant type: single nucleotide variant.
Coding change: c.440A>G on transcript NM_198253.3 (MANE Select); coding-DNA position 440, A replaced by G.
Protein change: p.Asp147Gly; replaces aspartic acid 147 with glycine.
Molecular consequence: missense variant. On other transcripts: non-coding transcript variant (2).
Genome position (GRCh38, 1-based): chr5:1,294,446, T>C on the plus strand (A>G on the coding strand, the complement: TERT is on the minus strand). VCF-style: chr5-1294446-T-C. GRCh37 (hg19) VCF-style: chr5-1294561-T-C.
Other names: c.440A>G, p.Asp147Gly (NM_001193376.3, NM_003219.1); short protein forms D147G.
Identifiers: ClinVar variation 1995394 (VCV001995394.5), dbSNP rs2478427584, ClinGen allele CA359058027.
Genomic context (GRCh38, chr5:1,294,446, plus strand): 5'-GCGCAGCTGGGAGCCACCAGCACAAAGAGCGCGCAGCGTGCCAGCAGGTGAACCAGCACG[T>C]CGTCGCCCACGCGGCGCAGCAGCAGCCCCCACGCCCCGCTCCCCCGCAGTGCGTCGGTCA-3'
Protein context (NP_937983.2, residues 137-157): WGLLLRRVGD[Asp147Gly]VLVHLLARCA

ClinVar aggregate classification (germline): Uncertain significance. Review status: criteria provided, multiple submitters, no conflicts (2 of 4 stars). 2 submissions from 2 submitters: Uncertain significance (2). Last evaluated 2024-05-15.

Conditions:
Idiopathic Pulmonary Fibrosis. Also called: Idiopathic fibrosing alveolitis, chronic form; idiopathic fibrosing alveolitis. Identifiers: Orphanet 2032, MedGen C1800706, MeSH D054990, MONDO:0800504.
Dyskeratosis congenita, autosomal dominant 2. Identifiers: MedGen C3151443, MONDO:0013521, OMIM 613989.
Acute myeloid leukemia (AML). Also called: Acute myeloid leukemia, adult; AML adult; Acute non-lymphocytic leukemia; Acute granulocytic leukemia; Leukemia, acute myeloid, somatic; Leukemia, acute myelogenous, somatic. Identifiers: Orphanet 519, MedGen C0023467, MeSH D015470, MONDO:0018874, OMIM 601626, HP:0004808. Disease mechanism: Constitutively activated FLT3.
Melanoma, cutaneous malignant, susceptibility to, 9. Also called: Cutaneous malignant melanoma 9. Identifiers: Orphanet 618, MedGen C3554574, MONDO:0014056, OMIM 615134.
Pulmonary fibrosis and/or bone marrow failure, Telomere-related, 1. Also called: PULMONARY FIBROSIS AND/OR BONE MARROW FAILURE SYNDROME, TELOMERE-RELATED, 1. Identifiers: Orphanet 88, MedGen C3553617, MONDO:0013878, OMIM 614742.

Submissions (2):

Fulgent Genetics
Classification: Uncertain significance for Acute myeloid leukemia; Dyskeratosis congenita, autosomal dominant 2; Pulmonary fibrosis and/or bone marrow failure, Telomere-related, 1; Melanoma, cutaneous malignant, susceptibility to, 9. Last evaluated: 2024-05-15. Review status: criteria provided, single submitter. Criteria: ACMG Guidelines, 2015. Collection method: clinical testing. Allele origin: germline.

Labcorp Genetics (formerly Invitae), Labcorp
Classification: Uncertain significance for Dyskeratosis congenita, autosomal dominant 2; Idiopathic Pulmonary Fibrosis. Last evaluated: 2022-05-17. Review status: criteria provided, single submitter. Criteria: Invitae Variant Classification Sherloc (09022015). Collection method: clinical testing. Allele origin: germline.
Comment: In summary, the available evidence is currently insufficient to determine the role of this variant in disease. Therefore, it has been classified as a Variant of Uncertain Significance. Advanced modeling of protein sequence and biophysical properties (such as structural, functional, and spatial information, amino acid conservation, physicochemical variation, residue mobility, and thermodynamic stability) performed at Invitae indicates that this missense variant is expected to disrupt TERT protein function. This variant has not been reported in the literature in individuals affected with TERT-related conditions. This variant is not present in population databases (gnomAD no frequency). This sequence change replaces aspartic acid, which is acidic and polar, with glycine, which is neutral and non-polar, at codon 147 of the TERT protein (p.Asp147Gly).